The following is an entry in ClinVar:

NM_002972.4(SBF1):c.3646G>C (p.Gly1216Arg)

Gene: SBF1 (SET binding factor 1; minus strand). Cytogenetic location: 22q13.33.
Variant type: single nucleotide variant.
Coding change: c.3646G>C on transcript NM_002972.4 (MANE Select); coding-DNA position 3646, G replaced by C.
Protein change: p.Gly1216Arg; replaces glycine 1216 with arginine.
Molecular consequence: missense variant.
Genome position (GRCh38, 1-based): chr22:50,459,512, C>G on the plus strand (G>C on the coding strand, the complement: SBF1 is on the minus strand). VCF-style: chr22-50459512-C-G. GRCh37 (hg19) VCF-style: chr22-50897941-C-G.
Other names: c.3649G>C, p.Gly1217Arg (NM_001365819.1, NM_001410794.1); c.3646G>C, p.Gly1216Arg (NM_001410795.1, NM_197971.1); short protein forms G1216R, G1217R.
Identifiers: ClinVar variation 1930755 (VCV001930755.5), dbSNP rs2067409451, ClinGen allele CA412203976.
Genomic context (GRCh38, chr22:50,459,512, plus strand): 5'-GCAGGACGCAGGAGGTACCTGGAGAAGGTGCGTTCTGGGCCTTGAAGAGGCCGACGACAC[C>G]TTTGCCATGCAGGCCTCCAGAGCGCAGCAGCACCGCCTTGGACCGCCCGCTGCGCCAGCA-3'
Protein context (NP_002963.2, residues 1206-1226): LLRSGGLHGK[Gly1216Arg]VVGLFKAQNA

ClinVar aggregate classification (germline): Uncertain significance (1 of 4 stars; one submission).

Allele frequency attached by ClinVar (database versions not stated): gnomAD exomes below 0.00001.
gnomAD v4.1: 1 of 1,610,296 alleles (0.000062%); highest among the groups gnomAD compares: Non-Finnish European, 0.000085%; no homozygotes.

Submission:

Labcorp Genetics (formerly Invitae), Labcorp
Classification: Uncertain significance. Last evaluated: 2022-06-15. Review status: criteria provided, single submitter. Criteria: Invitae Variant Classification Sherloc (09022015). Collection method: clinical testing. Allele origin: germline.
Comment: This variant is not present in population databases (gnomAD no frequency). This sequence change replaces glycine, which is neutral and non-polar, with arginine, which is basic and polar, at codon 1216 of the SBF1 protein (p.Gly1216Arg). This variant has not been reported in the literature in individuals affected with SBF1-related conditions. In summary, the available evidence is currently insufficient to determine the role of this variant in disease. Therefore, it has been classified as a Variant of Uncertain Significance. Algorithms developed to predict the effect of missense changes on protein structure and function are either unavailable or do not agree on the potential impact of this missense change (SIFT: "Deleterious"; PolyPhen-2: "Probably Damaging"; Align-GVGD: "Class C0").